The following is an entry in ClinVar:

ClinVar aggregate classification (germline): Uncertain significance (1 of 4 stars; one submission).

Conditions:
Hereditary cancer-predisposing syndrome. Also called: Neoplastic Syndromes, Hereditary; Hereditary Cancer Syndrome; Hereditary neoplastic syndrome; Tumor predisposition. Identifiers: Orphanet 140162, MedGen C0027672, MeSH D009386, MONDO:0015356.

Submission:

Ambry Genetics
Classification: Uncertain significance for Hereditary cancer-predisposing syndrome. Last evaluated: 2023-04-18. Review status: criteria provided, single submitter. Criteria: Ambry Variant Classification Scheme 2023. Collection method: clinical testing. Allele origin: germline.
Comment: The p.N56K variant (also known as c.168T>A), located in coding exon 2 of the TSC2 gene, results from a T to A substitution at nucleotide position 168. The asparagine at codon 56 is replaced by lysine, an amino acid with similar properties. This amino acid position is conserved. In addition, this alteration is predicted to be tolerated by in silico analysis. Since supporting evidence is limited at this time, the clinical significance of this alteration remains unclear.

NM_000548.5(TSC2):c.168T>A (p.Asn56Lys)

Gene: TSC2 (TSC complex subunit 2; plus strand). Cytogenetic location: 16p13.3.
Variant type: single nucleotide variant.
Coding change: c.168T>A on transcript NM_000548.5 (MANE Select); coding-DNA position 168, T replaced by A.
Protein change: p.Asn56Lys; replaces asparagine 56 with lysine.
Molecular consequence: missense variant. On other transcripts: 5 prime UTR variant (20), non-coding transcript variant (5).
Genome position (GRCh38, 1-based): chr16:2,050,429, T>A. VCF-style: chr16-2050429-T-A. GRCh37 (hg19) VCF-style: chr16-2100430-T-A.
Other names: c.-1264T>A (NM_001406691.1, NM_001406692.1, NM_001406697.1 and 2 more transcripts); c.-1570T>A (NM_001406693.1); c.-1145T>A (NM_001406694.1, NM_001406695.1); c.-1252T>A (NM_001406696.1); c.-1440T>A (NM_001406698.1); c.168T>A, p.Asn56Lys (NM_021055.3, NM_001077183.3, NM_001114382.3 and 13 more transcripts); c.21T>A, p.Asn7Lys (NM_001318829.2, NM_001406675.1, NM_001406676.1 and 2 more transcripts); c.-59T>A (NM_001318831.2, NM_001406682.1, NM_001406684.1 and 3 more transcripts); and 3 more; short protein forms N7K, N67K, N56K.
Identifiers: ClinVar variation 2564653 (VCV002564653.2), dbSNP rs2150995697, ClinGen allele CA394303243.